The following is an entry in ClinVar:

NC_000009.12:g.35657902T>C

Gene: RMRP (RNA component of mitochondrial RNA processing endoribonuclease; minus strand). Cytogenetic location: 9p13.3.
Variant type: single nucleotide variant.
Genome position: GRCh38 VCF-style: chr9-35657902-T-C. GRCh37 (hg19) VCF-style: chr9-35657899-T-C.
Identifiers: ClinVar variation 2136770 (VCV002136770.4), dbSNP rs763923256, ClinGen allele CA192745626.

ClinVar aggregate classification (germline): Uncertain significance. Review status: criteria provided, multiple submitters, no conflicts (2 of 4 stars). 2 submissions from 2 submitters: Uncertain significance (2). Last evaluated 2026-06-01.

Conditions:
Anauxetic dysplasia. Identifiers: Orphanet 93347, MedGen C1846796, MONDO:0011773.

Allele frequency attached by ClinVar (database versions not stated): gnomAD exomes below 0.00001; TOPMed 0.00001; gnomAD 0.00002.
gnomAD v4.1: 5 of 698,706 alleles (0.00072%); highest among the groups gnomAD compares: Admixed American, 0.004%; no homozygotes.

Submissions (2):

CeGaT Center for Human Genetics Tuebingen
Classification: Uncertain significance. Last evaluated: 2026-06-01. Review status: criteria provided, single submitter. Criteria: CeGaT Center For Human Genetics Tuebingen Variant Classification Criteria Version 2. Collection method: clinical testing. Allele origin: germline. Affected: yes. Observed: 1 variant allele.
Comment: RMRP: PM2

Labcorp Genetics (formerly Invitae), Labcorp
Classification: Uncertain significance for Anauxetic dysplasia. Last evaluated: 2025-02-03. Review status: criteria provided, single submitter. Criteria: Invitae Variant Classification Sherloc (09022015). Collection method: clinical testing. Allele origin: germline.
Comment: This variant occurs in the RMRP gene, which encodes an RNA molecule that does not result in a protein product. This variant is present in population databases (rs763923256, gnomAD 0.009%). This variant has been observed in individual(s) with cartilage hair hypoplasia (PMID: 16838329). ClinVar contains an entry for this variant (Variation ID: 2136770). Experimental studies and prediction algorithms are not available or were not evaluated, and the functional significance of this variant is currently unknown. In summary, the available evidence is currently insufficient to determine the role of this variant in disease. Therefore, it has been classified as a Variant of Uncertain Significance.

Literature cited by the submitters: PubMed 16838329 (cited by Labcorp Genetics (formerly Invitae), Labcorp).